The following is an entry in ClinVar:

NM_006397.3(RNASEH2A):c.828_831dup (p.Gln278fs)

Gene: RNASEH2A (ribonuclease H2 subunit A; plus strand). Cytogenetic location: 19p13.13.
Variant type: Duplication.
Coding change: c.828_831dup on transcript NM_006397.3 (MANE Select); coding-DNA positions 828 to 831, 4 bases duplicated (GTCC; older notation c.828_831dupGTCC).
Protein change: p.Gln278fs; shifts the reading frame from glutamine 278.
Molecular consequence: frameshift variant.
Genome position (GRCh38, 1-based): chr19:12,813,394-12,813,397, GTCC duplicated. VCF-style (leftmost placement, unchanged base first): chr19-12813393-G-GGTCC. GRCh37 (hg19) VCF-style: chr19-12924207-G-GGTCC.
Other names: short protein forms Q278fs.
Identifiers: ClinVar variation 1446917 (VCV001446917.6), dbSNP rs780583621, ClinGen allele CA9232056.

ClinVar aggregate classification (germline): Uncertain significance (1 of 4 stars; one submission).

Conditions:
Aicardi-Goutieres syndrome 4. Identifiers: Orphanet 51, MedGen C1835912, MONDO:0012472, OMIM 610333.

Allele frequency attached by ClinVar (database versions not stated): gnomAD exomes 0.00001; ExAC 0.00002.

Submission:

Labcorp Genetics (formerly Invitae), Labcorp
Classification: Uncertain significance for Aicardi-Goutieres syndrome 4. Last evaluated: 2022-10-05. Review status: criteria provided, single submitter. Criteria: Invitae Variant Classification Sherloc (09022015). Collection method: clinical testing. Allele origin: germline.
Comment: This variant is present in population databases (rs780583621, gnomAD 0.002%). This sequence change results in a frameshift in the RNASEH2A gene (p.Gln278Valfs*43). While this is not anticipated to result in nonsense mediated decay, it is expected to disrupt the last 22 amino acid(s) of the RNASEH2A protein and extend the protein by 20 additional amino acid residues. This variant has not been reported in the literature in individuals affected with RNASEH2A-related conditions. ClinVar contains an entry for this variant (Variation ID: 1446917). Experimental studies and prediction algorithms are not available or were not evaluated, and the functional significance of this variant is currently unknown. In summary, the available evidence is currently insufficient to determine the role of this variant in disease. Therefore, it has been classified as a Variant of Uncertain Significance.